The following is an entry in ClinVar:

NM_001999.4(FBN2):c.8454C>G (p.Ile2818Met)

Gene: FBN2 (fibrillin 2; minus strand). Cytogenetic location: 5q23.3.
Variant type: single nucleotide variant.
Coding change: c.8454C>G on transcript NM_001999.4 (MANE Select); coding-DNA position 8454, C replaced by G.
Protein change: p.Ile2818Met; replaces isoleucine 2818 with methionine.
Molecular consequence: missense variant.
Genome position (GRCh38, 1-based): chr5:128,259,740, G>C on the plus strand (C>G on the coding strand, the complement: FBN2 is on the minus strand). VCF-style: chr5-128259740-G-C. GRCh37 (hg19) VCF-style: chr5-127595432-G-C.
Other names: short protein forms I2818M.
Identifiers: ClinVar variation 1363475 (VCV001363475.8), dbSNP rs2126791949, ClinGen allele CA360745793.

ClinVar aggregate classification (germline): Uncertain significance (1 of 4 stars; one submission).

Conditions:
Congenital contractural arachnodactyly (CCA). Also called: BEALS SYNDROME; Beals-Hecht syndrome; Arthrogryposis, distal, type 9. Identifiers: Orphanet 115, MedGen C0220668, MONDO:0007363, OMIM 121050.

Submission:

Labcorp Genetics (formerly Invitae), Labcorp
Classification: Uncertain significance for Congenital contractural arachnodactyly. Last evaluated: 2021-07-14. Review status: criteria provided, single submitter. Criteria: Invitae Variant Classification Sherloc (09022015). Collection method: clinical testing. Allele origin: germline.
Comment: This sequence change replaces isoleucine with methionine at codon 2818 of the FBN2 protein (p.Ile2818Met). The isoleucine residue is highly conserved and there is a small physicochemical difference between isoleucine and methionine. This variant is not present in population databases (ExAC no frequency). This variant has not been reported in the literature in individuals affected with FBN2-related conditions. Advanced modeling of protein sequence and biophysical properties (such as structural, functional, and spatial information, amino acid conservation, physicochemical variation, residue mobility, and thermodynamic stability) performed at Invitae indicates that this missense variant is not expected to disrupt FBN2 protein function. In summary, the available evidence is currently insufficient to determine the role of this variant in disease. Therefore, it has been classified as a Variant of Uncertain Significance.